The following is an entry in ClinVar:

ClinVar aggregate classification (germline): Uncertain significance. Review status: criteria provided, single submitter (1 of 4 stars). 2 submissions from 2 submitters: Uncertain significance (1). 1 of the submissions does not count toward it. Last evaluated 2025-03-17.

Conditions:
Usher syndrome type 2A. Also called: USHER SYNDROME, TYPE IIA; RETINAL DISEASE IN USHER SYNDROME TYPE IIA, MODIFIER OF. Identifiers: Orphanet 231178, Orphanet 886, MedGen C1848634, MONDO:0010169, OMIM 276901.

Allele frequency attached by ClinVar (database versions not stated): gnomAD exomes below 0.00001.
gnomAD v4.1: 1 of 1,614,156 alleles (0.000062%); no homozygotes.

Submissions (2):

Labcorp Genetics (formerly Invitae), Labcorp
Classification: Uncertain significance. Last evaluated: 2025-03-17. Review status: criteria provided, single submitter. Criteria: Invitae Variant Classification Sherloc (09022015). Collection method: clinical testing. Allele origin: germline.
Comment: This sequence change replaces glutamic acid, which is acidic and polar, with lysine, which is basic and polar, at codon 4089 of the USH2A protein (p.Glu4089Lys). This variant is not present in population databases (gnomAD no frequency). This missense change has been observed in individual(s) with clinical features of Usher syndrome (internal data). ClinVar contains an entry for this variant (Variation ID: 1021246). Invitae Evidence Modeling of protein sequence and biophysical properties (such as structural, functional, and spatial information, amino acid conservation, physicochemical variation, residue mobility, and thermodynamic stability) indicates that this missense variant is not expected to disrupt USH2A protein function with a negative predictive value of 95%. In summary, the available evidence is currently insufficient to determine the role of this variant in disease. Therefore, it has been classified as a Variant of Uncertain Significance.

Natera, Inc.
Classification: Uncertain significance for Usher syndrome type 2A. Last evaluated: 2021-07-29. Review status: no assertion criteria provided. Collection method: clinical testing. Allele origin: germline. Not counted in ClinVar's aggregate classification.

NM_206933.4(USH2A):c.12265G>A (p.Glu4089Lys)

Gene: USH2A (usherin; minus strand). Cytogenetic location: 1q41.
Variant type: single nucleotide variant.
Coding change: c.12265G>A on transcript NM_206933.4 (MANE Select); coding-DNA position 12265, G replaced by A.
Protein change: p.Glu4089Lys; replaces glutamic acid 4089 with lysine.
Molecular consequence: missense variant.
Genome position (GRCh38, 1-based): chr1:215,680,178, C>T on the plus strand (G>A on the coding strand, the complement: USH2A is on the minus strand). VCF-style: chr1-215680178-C-T. GRCh37 (hg19) VCF-style: chr1-215853520-C-T.
Other names: short protein forms E4089K.
Identifiers: ClinVar variation 1021246 (VCV001021246.8), dbSNP rs1658179050, ClinGen allele CA344815846.